The following is an entry in ClinVar:

NM_144997.7(FLCN):c.871+113G>T

Gene: FLCN (folliculin; minus strand). Cytogenetic location: 17p11.2.
Variant type: single nucleotide variant.
Coding change: c.871+113G>T on transcript NM_144997.7 (MANE Select); 113 bases into the intron after coding-DNA position 871, G replaced by T.
Molecular consequence: intron variant. On other transcripts: missense variant (1).
Genome position (GRCh38, 1-based): chr17:17,221,424, C>A on the plus strand (G>T on the coding strand, the complement: FLCN is on the minus strand). VCF-style: chr17-17221424-C-A. GRCh37 (hg19) VCF-style: chr17-17124738-C-A.
Other names: c.984G>T, p.Gln328His (NM_144606.7); c.871+113G>T (NM_001353231.2, NM_001353230.2); c.925+113G>T (NM_001353229.2); short protein forms Q328H.
Identifiers: ClinVar variation 5021832 (VCV005021832.1).

ClinVar aggregate classification (germline): Uncertain significance (1 of 4 stars; one submission).

Conditions:
Hereditary cancer-predisposing syndrome. Also called: Neoplastic Syndromes, Hereditary; Tumor predisposition; Hereditary neoplastic syndrome; Hereditary Cancer Syndrome. Identifiers: Orphanet 140162, MedGen C0027672, MeSH D009386, MONDO:0015356.

gnomAD v4.1: 2 of 1,613,972 alleles (0.00012%); highest among the groups gnomAD compares: Non-Finnish European, 0.00017%; no homozygotes.

Submission:

Ambry Genetics
Classification: Uncertain significance for Hereditary cancer-predisposing syndrome. Last evaluated: 2026-07-02. Review status: criteria provided, single submitter. Criteria: Ambry Variant Classification Scheme 2023. Collection method: clinical testing. Allele origin: germline.
Comment: The p.Q328H variant (also known as c.984G>T), located in coding exon 5 of the FLCN gene, results from a G to T substitution at nucleotide position 984. The glutamine at codon 328 is replaced by histidine, an amino acid with highly similar properties. This amino acid position is conserved. In addition, this alteration is predicted to be tolerated by in silico analysis. Based on the available evidence, the clinical significance of this variant remains unclear.